The following is an entry in ClinVar:

ClinVar aggregate classification (germline): Uncertain significance (1 of 4 stars; one submission).

Submission:

Ambry Genetics
Classification: Uncertain significance. Last evaluated: 2025-08-23. Review status: criteria provided, single submitter. Criteria: Ambry Variant Classification Scheme 2023. Collection method: clinical testing. Allele origin: germline.
Comment: The p.F296L variant (also known as c.886T>C), located in coding exon 9 of the SRP72 gene, results from a T to C substitution at nucleotide position 886. The phenylalanine at codon 296 is replaced by leucine, an amino acid with highly similar properties. This amino acid position is conserved. In addition, this alteration is predicted to be tolerated by in silico analysis. Based on the available evidence, the clinical significance of this variant remains unclear.

NM_006947.4(SRP72):c.886T>C (p.Phe296Leu)

Gene: SRP72 (signal recognition particle 72; plus strand). Cytogenetic location: 4q12.
Variant type: single nucleotide variant.
Coding change: c.886T>C on transcript NM_006947.4 (MANE Select); coding-DNA position 886, T replaced by C.
Protein change: p.Phe296Leu; replaces phenylalanine 296 with leucine.
Molecular consequence: missense variant. On other transcripts: non-coding transcript variant (1).
Genome position (GRCh38, 1-based): chr4:56,483,199, T>C. VCF-style: chr4-56483199-T-C. GRCh37 (hg19) VCF-style: chr4-57349365-T-C.
Other names: c.703T>C, p.Phe235Leu (NM_001267722.2); short protein forms F235L, F296L.
Identifiers: ClinVar variation 4174972 (VCV004174972.1).